The following is an entry in ClinVar:

ClinVar aggregate classification (germline): Uncertain significance (1 of 4 stars; one submission).

Submission:

ISCA site 4
Classification: Uncertain significance. Last evaluated: 2011-08-12. Review status: criteria provided, single submitter. Criteria: Kaminsky et al. (Genet Med. 2011). Collection method: clinical testing. Allele origin: unknown. Affected: yes. Observed: 1 variant allele.
Comment: Copy number variation identified through the course of routine clinical cytogenomic testing in postnatal populations. Clinical assertions have been curated as described in Kaminsky et al. 2011.

GRCh38/hg38 9q22.33-31.1(chr9:99465640-100281736)x1

Genes: ERP44 (endoplasmic reticulum protein 44; minus strand), INVS (inversin; plus strand), NR4A3 (nuclear receptor subfamily 4 group A member 3; plus strand), STX17 (syntaxin 17; plus strand), STX17-DT (STX17 divergent transcript; minus strand) and 18 more. Cytogenetic location: 9q22.33-31.1.
Variant type: copy number loss.
Change: copy number 1 (one copy instead of two) of chr9:99,465,640-100,281,736 (816.1 kb, GRCh38 coordinates, 1-based), cytogenetic band 9q22.33-31.1.
Identifiers: ClinVar variation 57370 (VCV000057370.1).